The following is an entry in ClinVar:

ClinVar aggregate classification (germline): Uncertain significance (1 of 4 stars; one submission).

Conditions:
POLD1-related polyposis and colorectal cancer syndrome (CRCS10). Also called: Colorectal cancer 10; COLORECTAL CANCER, SUSCEPTIBILITY TO, ON CHROMOSOME 19q; Colorectal cancer, susceptibility to, 10. Identifiers: Orphanet 220460, MedGen C2675481, MONDO:0012953, OMIM 612591.

Submission:

Labcorp Genetics (formerly Invitae), Labcorp
Classification: Uncertain significance for POLD1-related polyposis and colorectal cancer syndrome. Last evaluated: 2022-09-07. Review status: criteria provided, single submitter. Criteria: Invitae Variant Classification Sherloc (09022015). Collection method: clinical testing. Allele origin: germline.
Comment: In summary, the available evidence is currently insufficient to determine the role of this variant in disease. Therefore, it has been classified as a Variant of Uncertain Significance. Algorithms developed to predict the effect of sequence changes on RNA splicing suggest that this variant may create or strengthen a splice site. Algorithms developed to predict the effect of missense changes on protein structure and function are either unavailable or do not agree on the potential impact of this missense change (SIFT: "Deleterious"; PolyPhen-2: "Benign"; Align-GVGD: "Class C0"). ClinVar contains an entry for this variant (Variation ID: 1439412). This variant has not been reported in the literature in individuals affected with POLD1-related conditions. This variant is not present in population databases (gnomAD no frequency). This sequence change replaces glutamic acid, which is acidic and polar, with valine, which is neutral and non-polar, at codon 196 of the POLD1 protein (p.Glu196Val).

NM_002691.4(POLD1):c.587A>T (p.Glu196Val)

Gene: POLD1 (DNA polymerase delta 1, catalytic subunit; plus strand). Cytogenetic location: 19q13.33.
Variant type: single nucleotide variant.
Coding change: c.587A>T on transcript NM_002691.4 (MANE Select); coding-DNA position 587, A replaced by T.
Protein change: p.Glu196Val; replaces glutamic acid 196 with valine.
Molecular consequence: missense variant. On other transcripts: non-coding transcript variant (1).
Genome position (GRCh38, 1-based): chr19:50,402,122, A>T. VCF-style: chr19-50402122-A-T. GRCh37 (hg19) VCF-style: chr19-50905379-A-T.
Other names: c.587A>T, p.Glu196Val (NM_001308632.1, NM_001256849.1); short protein forms E196V.
Identifiers: ClinVar variation 1439412 (VCV001439412.8), dbSNP rs2122240838, ClinGen allele CA406973503.